The following is an entry in ClinVar:

NM_001267550.2(TTN):c.52102+5G>C

Genes: TTN-AS1 (TTN antisense RNA 1; plus strand), TTN (titin; minus strand). Cytogenetic location: 2q31.2.
Variant type: single nucleotide variant.
Coding change: c.52102+5G>C on transcript NM_001267550.2 (MANE Select); 5 bases into the intron after coding-DNA position 52102, G replaced by C.
Molecular consequence: intron variant.
Genome position (GRCh38, 1-based): chr2:178,609,203, C>G on the plus strand (G>C on the coding strand, the complement: TTN is on the minus strand). VCF-style: chr2-178609203-C-G. GRCh37 (hg19) VCF-style: chr2-179473930-C-G.
Other names: c.24907+5G>C (NM_003319.4); c.25483+5G>C (NM_133437.4); c.25282+5G>C (NM_133432.3); c.44398+5G>C (NM_133378.4); c.47179+5G>C (NM_001256850.1).
Identifiers: ClinVar variation 282442 (VCV000282442.14), dbSNP rs886042399, ClinGen allele CA10604180.

ClinVar aggregate classification (germline): Uncertain significance. Review status: criteria provided, multiple submitters, no conflicts (2 of 4 stars). 2 submissions from 2 submitters: Uncertain significance (2). Last evaluated 2021-08-11.

Conditions:
Autosomal recessive limb-girdle muscular dystrophy type 2J (LGMDR10). Also called: Limb-girdle muscular dystrophy, type 2J; MUSCULAR DYSTROPHY, LIMB-GIRDLE, AUTOSOMAL RECESSIVE 10. Identifiers: Orphanet 140922, MedGen C1837342, MONDO:0012127, OMIM 608807.
Dilated cardiomyopathy 1G (CMD1G). Identifiers: Orphanet 154, MedGen C1858763, MONDO:0011400, OMIM 604145.

Submissions (2):

Labcorp Genetics (formerly Invitae), Labcorp
Classification: Uncertain significance for Dilated cardiomyopathy 1G; Autosomal recessive limb-girdle muscular dystrophy type 2J. Last evaluated: 2021-08-11. Review status: criteria provided, single submitter. Criteria: Invitae Variant Classification Sherloc (09022015). Collection method: clinical testing. Allele origin: germline.
Comment: This sequence change falls in intron 273 of the TTN gene. It does not directly change the encoded amino acid sequence of the TTN protein, but it affects a nucleotide within the consensus splice site of the intron. This variant is not present in population databases (ExAC no frequency). This variant has not been reported in the literature in individuals with TTN-related conditions. ClinVar contains an entry for this variant (Variation ID: 282442). This variant is located in the A band of TTN (PMID: 25589632). Variants in this region may be relevant for cardiac or neuromuscular disorders (PMID: 25589632, 23975875). Nucleotide substitutions within the consensus splice site are a relatively common cause of aberrant splicing (PMID: 17576681, 9536098). Algorithms developed to predict the effect of sequence changes on RNA splicing suggest that this variant may disrupt the consensus splice site, but this prediction has not been confirmed by published transcriptional studies. This variant disrupts the c.52103+5G nucleotide in the TTN gene. Other variant(s) that disrupt this nucleotide have been determined to be pathogenic (PMID: 26841830). This suggests that this nucleotide is clinically-significant, and that variants that disrupt this position are likely to be disease-causing. In summary, the available evidence is currently insufficient to determine the role of this variant in disease. Therefore, it has been classified as a Variant of Uncertain Significance.

Eurofins Ntd Llc (ga)
Classification: Uncertain significance. Last evaluated: 2015-09-03. Review status: criteria provided, single submitter. Criteria: EGL Classification Definitions 2015. Collection method: clinical testing. Allele origin: germline. Observed: 1 variant allele, 1 heterozygote.

Literature cited by the submitters: PubMed 25589632 (cited by Labcorp Genetics (formerly Invitae), Labcorp); PubMed 23975875 (cited by Labcorp Genetics (formerly Invitae), Labcorp); PubMed 17576681 (cited by Labcorp Genetics (formerly Invitae), Labcorp); PubMed 9536098 (cited by Labcorp Genetics (formerly Invitae), Labcorp); PubMed 26841830 (cited by Labcorp Genetics (formerly Invitae), Labcorp).